The following is an entry in ClinVar:

ClinVar aggregate classification (germline): Likely pathogenic (1 of 4 stars; one submission).

Conditions:
Liberfarb syndrome (LIBF). Also called: SPONDYLOEPIMETAPHYSEAL DYSPLASIA, LIBERFARB TYPE; Short stature-skeletal dysplasia-retinal degeneration-intellectual disability-sensorineural hearing loss syndrome. Identifiers: Orphanet 589442, MedGen C5394404, MONDO:0030045, OMIM 618889.

Submission:

Diagnostics Services (NGS), CSIR - Centre For Cellular And Molecular Biology
Classification: Likely pathogenic for Liberfarb syndrome. Last evaluated: 2024-11-25. Review status: criteria provided, single submitter. Criteria: ACMG Guidelines, 2015. Collection method: clinical testing. Allele origin: unknown. Affected: yes. Observed: 1 variant allele, 1 homozygote.
Comment: The c.167_168del variant is not present in publicly available population databases like 1000 Genomes, EVS, ExAC, gnomAD, Indian Exome Database or our internal database. This variant has neither been published in literature with PISD-related conditions nor reported to the clinical databases like ClinVar, Human Gene Mutation Database (HGMD) or OMIM, in any affected individuals. In-silico pathogenicity prediction programs like MutationTaster2021, CADD, Franklin, Varsome, InterVar etc predicted this variant to be likely deleterious. This variant causes frameshift at the 56th amino acid position of the wild-type transcript which creates a premature translational stop signal at the altered transcript that may either result in translation of a truncated protein or cause nonsense mediated decay of the mRNA.

NM_001326411.2(PISD):c.322-1890_322-1889del

Genes: PISD (phosphatidylserine decarboxylase; minus strand), LOC110121499 (VISTA enhancer hs2240; plus strand). Cytogenetic location: 22q12.2.
Variant type: Deletion.
Coding change: c.322-1890_322-1889del on transcript NM_001326411.2 (MANE Select); 1890 bases into the intron before coding-DNA position 322 through 1889 bases into the intron before coding-DNA position 322, 2 bases deleted (TG; older notation c.322-1890_322-1889delTG).
Molecular consequence: intron variant. On other transcripts: frameshift variant (8).
Genome position (GRCh38, 1-based): chr22:31,623,774-31,623,775, CA deleted on the plus strand (TG on the coding strand, the reverse complement: PISD is on the minus strand). VCF-style (leftmost placement, unchanged base first): chr22-31623773-GCA-G. GRCh37 (hg19) VCF-style: chr22-32019759-GCA-G.
Other names: c.167_168del, p.Leu56fs (NM_001326413.2, NM_001326414.2); c.128_129del, p.Leu43fs (NM_001326415.2, NM_001326416.2, NM_001326417.2 and 3 more transcripts); c.322-1953_322-1952del (NM_001326412.1); c.322-1890_322-1889del (NM_001326421.1); c.142-1890_142-1889del (NM_001326420.2, NM_001326418.2); short protein forms L43fs, L56fs.
Identifiers: ClinVar variation 3383364 (VCV003383364.1).